The following is an entry in ClinVar:

ClinVar aggregate classification (germline): Benign. Review status: criteria provided, multiple submitters, no conflicts (2 of 4 stars). 3 submissions from 3 submitters: Benign (3). Last evaluated 2018-06-16.

Allele frequency attached by ClinVar (database versions not stated): gnomAD 0.56364 and 0.56376; TOPMed 0.57727; ESP Exome Variant Server 0.55731; 1000 Genomes Project 30x 0.63382; ExAC 0.51972; 1000 Genomes Project 0.63019; gnomAD exomes 0.47025 and 0.51834.
gnomAD v4.1: 770,732 of 1,605,714 alleles (48%); highest among the groups gnomAD compares: African/African-American, 80%; 192,344 homozygotes.

Submissions (3):

GeneDx
Classification: Benign. Last evaluated: 2018-06-16. Review status: criteria provided, single submitter. Criteria: GeneDx Variant Classification (06012015). Collection method: clinical testing. Allele origin: germline. Affected: yes.
Comment: This variant is considered likely benign or benign based on one or more of the following criteria: it is a conservative change, it occurs at a poorly conserved position in the protein, it is predicted to be benign by multiple in silico algorithms, and/or has population frequency not consistent with disease.

Breakthrough Genomics
Classification: Benign. Review status: criteria provided, single submitter. Criteria: ACMG Guidelines, 2015. Collection method: not provided. Allele origin: germline. Inheritance: Autosomal recessive inheritance. Affected: yes.

PreventionGenetics, part of Exact Sciences
Classification: Benign. Review status: criteria provided, single submitter. Criteria: ACMG Guidelines, 2015. Collection method: clinical testing. Allele origin: germline.

NM_001853.4(COL9A3):c.793-46A>T

Gene: COL9A3 (collagen type IX alpha 3 chain; plus strand). Cytogenetic location: 20q13.33.
Variant type: single nucleotide variant.
Coding change: c.793-46A>T on transcript NM_001853.4 (MANE Select); 46 bases into the intron before coding-DNA position 793, A replaced by T.
Molecular consequence: intron variant.
Genome position (GRCh38, 1-based): chr20:62,827,195, A>T. VCF-style: chr20-62827195-A-T. GRCh37 (hg19) VCF-style: chr20-61458547-A-T.
Other names: c.793-46A>T (LRG_1253t1).
Identifiers: ClinVar variation 258434 (VCV000258434.3), dbSNP rs2249766, ClinGen allele CA9949516.